The following is an entry in ClinVar:

NM_152703.5(SAMD9L):c.1787C>T (p.Thr596Ile)

Gene: SAMD9L (sterile alpha motif domain containing 9 like; minus strand). Cytogenetic location: 7q21.2.
Variant type: single nucleotide variant.
Coding change: c.1787C>T on transcript NM_152703.5 (MANE Select); coding-DNA position 1787, C replaced by T.
Protein change: p.Thr596Ile; replaces threonine 596 with isoleucine.
Molecular consequence: missense variant.
Genome position (GRCh38, 1-based): chr7:93,134,185, G>A on the plus strand (C>T on the coding strand, the complement: SAMD9L is on the minus strand). VCF-style: chr7-93134185-G-A. GRCh37 (hg19) VCF-style: chr7-92763498-G-A.
Other names: c.1787C>T, p.Thr596Ile (NM_001303496.3, NM_001303497.3, NM_001303498.3 and 5 more transcripts); short protein forms T596I.
Identifiers: ClinVar variation 4159404 (VCV004159404.1).
Genomic context (GRCh38, chr7:93,134,185, plus strand): 5'-AGTTCTATATTTAAAGTGGAAATACTGTGGTTTGTTAGTTCATCTTCCATCTTCATTCTT[G>A]TTTGTAGTAGATCTTTCCATCGTTGATAAATATGTGAGTTTACAGAGATACACAACATAT-3'
Protein context (NP_689916.2, residues 586-606): IYQRWKDLLQ[Thr596Ile]RMKMEDELTN

ClinVar aggregate classification (germline): Uncertain significance (1 of 4 stars; one submission).

Conditions:
Inborn genetic diseases. Identifiers: MedGen C0950123, MeSH D030342.

Submission:

Ambry Genetics
Classification: Uncertain significance for Inborn genetic diseases. Last evaluated: 2025-08-15. Review status: criteria provided, single submitter. Criteria: Ambry Variant Classification Scheme 2023. Collection method: clinical testing. Allele origin: germline.
Comment: The p.T596I variant (also known as c.1787C>T), located in coding exon 1 of the SAMD9L gene, results from a C to T substitution at nucleotide position 1787. The threonine at codon 596 is replaced by isoleucine, an amino acid with similar properties. This amino acid position is conserved. In addition, this alteration is predicted to be tolerated by in silico analysis. Based on the available evidence, the clinical significance of this variant remains unclear.